The following is an entry in ClinVar:

ClinVar aggregate classification (germline): Benign. Review status: criteria provided, multiple submitters, no conflicts (2 of 4 stars). 5 submissions from 5 submitters: Benign (4). 1 of the submissions does not count toward it. Last evaluated 2026-02-03.

Conditions:
TCF3-related disorder. Also called: TCF3-related condition.

Allele frequency attached by ClinVar (database versions not stated): gnomAD exomes 0.00475; ExAC 0.00772; ESP Exome Variant Server 0.01280; 1000 Genomes Project 0.01677; TOPMed 0.01680; 1000 Genomes Project 30x 0.01858.
gnomAD v4.1: 4,030 of 1,050,294 alleles (0.38%); highest among the groups gnomAD compares: African/African-American, 6.5%; 104 homozygotes.

Submissions (5):

Labcorp Genetics (formerly Invitae), Labcorp
Classification: Benign. Last evaluated: 2026-02-03. Review status: criteria provided, single submitter. Criteria: Invitae Variant Classification Sherloc (09022015). Collection method: clinical testing. Allele origin: germline.

Women's Health and Genetics/Laboratory Corporation of America, LabCorp
Classification: Benign. Last evaluated: 2026-01-22. Review status: criteria provided, single submitter. Criteria: LabCorp Variant Classification Summary - May 2015. Collection method: clinical testing. Allele origin: germline.

ARUP Laboratories, Molecular Genetics and Genomics, ARUP Laboratories
Classification: Benign. Last evaluated: 2023-11-06. Review status: criteria provided, single submitter. Criteria: ARUP Molecular Germline Variant Investigation Process 2024. Collection method: clinical testing. Allele origin: germline.

Breakthrough Genomics
Classification: Benign. Review status: criteria provided, single submitter. Criteria: ACMG Guidelines, 2015. Collection method: not provided. Allele origin: germline. Inheritance: Autosomal recessive inheritance. Affected: yes.

PreventionGenetics, part of Exact Sciences
Classification: Likely benign for TCF3-related condition. Last evaluated: 2020-02-07. Review status: no assertion criteria provided. Collection method: clinical testing. Allele origin: germline. Not counted in ClinVar's aggregate classification.
Comment: This variant is classified as likely benign based on ACMG/AMP sequence variant interpretation guidelines (Richards et al. 2015 PMID: 25741868, with internal and published modifications).

NM_003200.5(TCF3):c.558A>G (p.Pro186=)

Gene: TCF3 (transcription factor 3; minus strand). Cytogenetic location: 19p13.3.
Variant type: single nucleotide variant.
Coding change: c.558A>G on transcript NM_003200.5 (MANE Select); coding-DNA position 558, A replaced by G.
Protein change: p.Pro186=; no amino-acid change (proline 186 retained).
Molecular consequence: synonymous variant.
Genome position (GRCh38, 1-based): chr19:1,622,407, T>C on the plus strand (A>G on the coding strand, the complement: TCF3 is on the minus strand). VCF-style: chr19-1622407-T-C. GRCh37 (hg19) VCF-style: chr19-1622406-T-C.
Other names: c.558A>G, p.Pro186= (NM_001136139.4, NM_001351778.2, NM_001351779.2).
Identifiers: ClinVar variation 777355 (VCV000777355.26), dbSNP rs11879412, ClinGen allele CA9050306.
Genomic context (GRCh38, chr19:1,622,407, plus strand): 5'-GGGGGTCTTGGCGGACGGGTAGGCGGTGGCATCCCTGCCGTAGTCCTCACCTGAGCTGGG[T>C]GGGTACACCTGCGGGCGGGTGGGCGGTGGGGGGTGCAGTCAGGACGGAGGGACCACGATC-3'
Protein context (NP_003191.1, residues 176-196): VPPGLPSSVY[Pro186=]PSSGEDYGRD